The following is an entry in ClinVar:

NM_000026.4(ADSL):c.854A>G (p.Gln285Arg)

Gene: ADSL (adenylosuccinate lyase; plus strand). Cytogenetic location: 22q13.1.
Variant type: single nucleotide variant.
Coding change: c.854A>G on transcript NM_000026.4 (MANE Select); coding-DNA position 854, A replaced by G.
Protein change: p.Gln285Arg; replaces glutamine 285 with arginine.
Molecular consequence: missense variant. On other transcripts: non-coding transcript variant (1).
Genome position (GRCh38, 1-based): chr22:40,361,334, A>G. VCF-style: chr22-40361334-A-G. GRCh37 (hg19) VCF-style: chr22-40757338-A-G.
Other names: c.854A>G, p.Gln285Arg (NM_001123378.3, NM_001363840.3); c.662A>G, p.Gln221Arg (NM_001317923.2); short protein forms Q221R, Q285R.
Identifiers: ClinVar variation 1037611 (VCV001037611.8), dbSNP rs2044779637, ClinGen allele CA411643687.

ClinVar aggregate classification (germline): Uncertain significance (1 of 4 stars; one submission).

Conditions:
Adenylosuccinate lyase deficiency (ADSLD). Also called: ADSL DEFICIENCY. Identifiers: Orphanet 46, MedGen C0268126, MONDO:0007068, OMIM 103050.

Allele frequency attached by ClinVar (database versions not stated): TOPMed below 0.00001; gnomAD 0.00001; gnomAD exomes below 0.00001.
gnomAD v4.1: 7 of 1,614,098 alleles (0.00043%); highest among the groups gnomAD compares: Non-Finnish European, 0.00059%; no homozygotes.

Submission:

Labcorp Genetics (formerly Invitae), Labcorp
Classification: Uncertain significance for Adenylosuccinate lyase deficiency. Last evaluated: 2020-08-26. Review status: criteria provided, single submitter. Criteria: Invitae Variant Classification Sherloc (09022015). Collection method: clinical testing. Allele origin: germline.
Comment: In summary, the available evidence is currently insufficient to determine the role of this variant in disease. Therefore, it has been classified as a Variant of Uncertain Significance. Algorithms developed to predict the effect of missense changes on protein structure and function (SIFT, PolyPhen-2, Align-GVGD) all suggest that this variant is likely to be tolerated, but these predictions have not been confirmed by published functional studies and their clinical significance is uncertain. This variant has not been reported in the literature in individuals with ADSL-related conditions. This variant is not present in population databases (ExAC no frequency). This sequence change replaces glutamine with arginine at codon 285 of the ADSL protein (p.Gln285Arg). The glutamine residue is weakly conserved and there is a small physicochemical difference between glutamine and arginine.